The following is an entry in ClinVar:

ClinVar aggregate classification (germline): Pathogenic (0 of 4 stars; one submission).

Conditions:
Severe X-linked mitochondrial encephalomyopathy. Also called: ENCEPHALOMYOPATHY, MITOCHONDRIAL, X-LINKED. Identifiers: Orphanet 238329, MedGen C3151753, MONDO:0010437, OMIM 300816.

Submission:

Department of Medical and Molecular Genetics, Dongguan Institute of Pediatrics
Classification: Pathogenic for Severe X-linked mitochondrial encephalomyopathy. Last evaluated: 2021-03-01. Review status: no assertion criteria provided. Collection method: clinical testing. Allele origin: maternal, not applicable. Inheritance: X-linked recessive inheritance. Affected: yes. Observed: 1 hemizygote. Functional consequence: effect on RNA splicing.
Comment: The intronic variant in AIFM1 (NM_004208.4:c.1164+5G>A) is absent from dbSNP version 147, 1000 genomes project, ExAC, HGMD, and Clinvar databases and not found in the literature. Experiments were carried out by us to explore the pathogenicity of this mutation, which confirmed that the mutation could destroy the original donor splice site and lead to exon 11 skipping, resulting in a frameshift deletion at the protein level p.Glu359GlyfsTer4.

NM_004208.4(AIFM1):c.1164+5G>A

Genes: AIFM1 (apoptosis inducing factor mitochondria associated 1; minus strand), RAB33A (RAB33A, member RAS oncogene family; plus strand). Cytogenetic location: Xq26.1.
Variant type: single nucleotide variant.
Coding change: c.1164+5G>A on transcript NM_004208.4 (MANE Select); 5 bases into the intron after coding-DNA position 1164, G replaced by A.
Molecular consequence: intron variant.
Genome position (GRCh38, 1-based): chrX:130,136,638, C>T on the plus strand (G>A on the coding strand, the complement: AIFM1 is on the minus strand). VCF-style: chrX-130136638-C-T. GRCh37 (hg19) VCF-style: chrX-129270613-C-T.
Other names: c.1152+5G>A (NM_145812.3); c.*392+5G>A (NM_001130847.4); c.147+5G>A (NM_001130846.4).
Identifiers: ClinVar variation 1343826 (VCV001343826.4), dbSNP rs2523119113, ClinGen allele CA2580101603.